The following is an entry in ClinVar:

NM_199242.3(UNC13D):c.2434G>T (p.Glu812Ter)

Gene: UNC13D (unc-13 homolog D; minus strand). Cytogenetic location: 17q25.1.
Variant type: single nucleotide variant.
Coding change: c.2434G>T on transcript NM_199242.3 (MANE Select); coding-DNA position 2434, G replaced by T.
Protein change: p.Glu812Ter; replaces glutamic acid 812 with a stop codon.
Molecular consequence: nonsense.
Genome position (GRCh38, 1-based): chr17:75,832,979, C>A on the plus strand (G>T on the coding strand, the complement: UNC13D is on the minus strand). VCF-style: chr17-75832979-C-A. GRCh37 (hg19) VCF-style: chr17-73829060-C-A.
Other names: short protein forms E812*.
Identifiers: ClinVar variation 2030809 (VCV002030809.4), dbSNP rs2545978868, ClinGen allele CA401084632.

ClinVar aggregate classification (germline): Pathogenic (1 of 4 stars; one submission).

Conditions:
Familial hemophagocytic lymphohistiocytosis 3 (FHL3). Also called: UNC13D-Related Familial Hemophagocytic Lymphohistiocytosis (UNC13D-fHLH). Identifiers: Orphanet 540, MedGen C1837174, MONDO:0012146, OMIM 608898.

Submission:

Labcorp Genetics (formerly Invitae), Labcorp
Classification: Pathogenic for Familial hemophagocytic lymphohistiocytosis 3. Last evaluated: 2022-12-07. Review status: criteria provided, single submitter. Criteria: Invitae Variant Classification Sherloc (09022015). Collection method: clinical testing. Allele origin: germline.
Comment: This sequence change creates a premature translational stop signal (p.Glu812*) in the UNC13D gene. It is expected to result in an absent or disrupted protein product. Loss-of-function variants in UNC13D are known to be pathogenic (PMID: 14622600). This variant is not present in population databases (gnomAD no frequency). For these reasons, this variant has been classified as Pathogenic. This variant has not been reported in the literature in individuals affected with UNC13D-related conditions.

Literature cited by the submitters: PubMed 14622600.